The following is an entry in ClinVar:

ClinVar aggregate classification (germline): Conflicting classifications of pathogenicity. Review status: criteria provided, conflicting classifications (1 of 4 stars). 2 submissions from 2 submitters: Uncertain significance (1); Likely benign (1). Last evaluated 2026-01-18.

Allele frequency attached by ClinVar (database versions not stated): ExAC 0.00002; gnomAD exomes 0.00003; gnomAD 0.00005; TOPMed 0.00007; ESP Exome Variant Server 0.00008.
gnomAD v4.1: 104 of 1,613,874 alleles (0.0064%); highest among the groups gnomAD compares: Non-Finnish European, 0.0083%; no homozygotes.

Submissions (2):

Labcorp Genetics (formerly Invitae), Labcorp
Classification: Uncertain significance. Last evaluated: 2026-01-18. Review status: criteria provided, single submitter. Criteria: Invitae Variant Classification Sherloc (09022015). Collection method: clinical testing. Allele origin: germline.
Comment: This sequence change replaces glutamic acid, which is acidic and polar, with lysine, which is basic and polar, at codon 507 of the RINT1 protein (p.Glu507Lys). This variant is present in population databases (rs143184349, gnomAD 0.008%). This missense change has been observed in individual(s) with breast cancer and/or ovarian cancer, and in a healthy individual in two case-control studies (PMID: 25050558, 27544226). ClinVar contains an entry for this variant (Variation ID: 410787). An algorithm developed to predict the effect of missense changes on protein structure and function (PolyPhen-2) suggests that this variant is likely to be tolerated. In summary, the available evidence is currently insufficient to determine the role of this variant in disease. Therefore, it has been classified as a Variant of Uncertain Significance.

Ambry Genetics
Classification: Likely benign. Last evaluated: 2020-07-02. Review status: criteria provided, single submitter. Criteria: Ambry Variant Classification Scheme 2023. Collection method: clinical testing. Allele origin: germline.

Literature cited by the submitters: PubMed 25050558 (cited by Labcorp Genetics (formerly Invitae), Labcorp); PubMed 27544226 (cited by Labcorp Genetics (formerly Invitae), Labcorp).

NM_021930.6(RINT1):c.1519G>A (p.Glu507Lys)

Gene: RINT1 (RAD50 interactor 1; plus strand). Cytogenetic location: 7q22.3.
Variant type: single nucleotide variant.
Coding change: c.1519G>A on transcript NM_021930.6 (MANE Select); coding-DNA position 1519, G replaced by A.
Protein change: p.Glu507Lys; replaces glutamic acid 507 with lysine.
Molecular consequence: missense variant.
Genome position (GRCh38, 1-based): chr7:105,555,075, G>A. VCF-style: chr7-105555075-G-A. GRCh37 (hg19) VCF-style: chr7-105195522-G-A.
Other names: c.1285G>A, p.Glu429Lys (NM_001346599.2); c.496G>A, p.Glu166Lys (NM_001346600.2, NM_001346603.2); c.595G>A, p.Glu199Lys (NM_001346601.2); short protein forms E507K, E199K, E166K, E429K.
Identifiers: ClinVar variation 410787 (VCV000410787.14), dbSNP rs143184349, ClinGen allele CA4426705.